The following is an entry in ClinVar:

ClinVar aggregate classification (germline): Uncertain significance (1 of 4 stars; one submission).

gnomAD v4.1: 68 of 1,610,944 alleles (0.0042%); highest among the groups gnomAD compares: African/African-American, 0.019%; no homozygotes.

Submission:

CeGaT Center for Human Genetics Tuebingen
Classification: Uncertain significance. Last evaluated: 2025-09-01. Review status: criteria provided, single submitter. Criteria: CeGaT Center For Human Genetics Tuebingen Variant Classification Criteria Version 2. Collection method: clinical testing. Allele origin: germline. Affected: yes. Observed: 1 variant allele.
Comment: AASS: PM2

NM_005763.4(AASS):c.1292C>T (p.Ala431Val)

Gene: AASS (aminoadipate-semialdehyde synthase; minus strand). Cytogenetic location: 7q31.32.
Variant type: single nucleotide variant.
Coding change: c.1292C>T on transcript NM_005763.4 (MANE Select); coding-DNA position 1292, C replaced by T.
Protein change: p.Ala431Val; replaces alanine 431 with valine.
Molecular consequence: missense variant.
Genome position (GRCh38, 1-based): chr7:122,101,667, G>A on the plus strand (C>T on the coding strand, the complement: AASS is on the minus strand). VCF-style: chr7-122101667-G-A. GRCh37 (hg19) VCF-style: chr7-121741721-G-A.
Other names: short protein forms A431V.
Identifiers: ClinVar variation 4280952 (VCV004280952.7).
Genomic context (GRCh38, chr7:122,101,667, plus strand): 5'-TGCTCATAACTTACATCTCTCACCACAGGAGAAAAATTCTGACTTTCAAGAGGCTGTGTC[G>A]CGTCTGATAATATCTGAAAGGAAAATGAGATTTGTAAGAGATAAATGACACTGCAAAGAA-3'
Protein context (NP_005754.2, residues 421-441): PYVEEMILSD[Ala431Val]TQPLESQNFS